The following is an entry in ClinVar:

ClinVar aggregate classification (germline): Uncertain significance (1 of 4 stars; one submission).

gnomAD v4.1: 14 of 1,550,302 alleles (0.0009%); highest among the groups gnomAD compares: African/African-American, 0.0014%; no homozygotes.

Submission:

GeneDx
Classification: Uncertain significance. Last evaluated: 2023-06-23. Review status: criteria provided, single submitter. Criteria: GeneDx Variant Classification Process June 2021. Collection method: clinical testing. Allele origin: germline. Affected: yes.
Comment: Not observed at significant frequency in large population cohorts (gnomAD); In silico analysis supports that this missense variant has a deleterious effect on protein structure/function; Has not been previously published as pathogenic or benign to our knowledge

NM_001367624.2(ZNF469):c.11531C>G (p.Pro3844Arg)

Gene: ZNF469 (zinc finger protein 469; plus strand). Cytogenetic location: 16q24.2.
Variant type: single nucleotide variant.
Coding change: c.11531C>G on transcript NM_001367624.2 (MANE Select); coding-DNA position 11531, C replaced by G.
Protein change: p.Pro3844Arg; replaces proline 3844 with arginine.
Molecular consequence: missense variant.
Genome position (GRCh38, 1-based): chr16:88,439,001, C>G. VCF-style: chr16-88439001-C-G. GRCh37 (hg19) VCF-style: chr16-88505409-C-G.
Other names: NM_001127464.1:c.11447C>G; short protein forms P3844R.
Identifiers: ClinVar variation 3360403 (VCV003360403.1).
Genomic context (GRCh38, chr16:88,439,001, plus strand): 5'-GGCCAGCCAGGAGTGAAAGTGTGGGGAGCTTCGGGAGAGCCCCCTCAGCCCCTGACAAGC[C>G]CCCCCGGACCCCTCGGAAGCAGGCAACTCCCAGCCGCGTGCTCCCGACCAAGCCCAAGCC-3'
Protein context (NP_001354553.1, residues 3834-3854): FGRAPSAPDK[Pro3844Arg]PRTPRKQATP